The following is an entry in ClinVar:

NM_198576.4(AGRN):c.4435G>A (p.Glu1479Lys)

Gene: AGRN (agrin; plus strand). Cytogenetic location: 1p36.33.
Variant type: single nucleotide variant.
Coding change: c.4435G>A on transcript NM_198576.4 (MANE Select); coding-DNA position 4435, G replaced by A.
Protein change: p.Glu1479Lys; replaces glutamic acid 1479 with lysine.
Molecular consequence: missense variant.
Genome position (GRCh38, 1-based): chr1:1,049,372, G>A. VCF-style: chr1-1049372-G-A. GRCh37 (hg19) VCF-style: chr1-984752-G-A.
Other names: c.4435G>A, p.Glu1479Lys (NM_001305275.2); c.4120G>A, p.Glu1374Lys (NM_001364727.2); short protein forms E1479K, E1374K.
Identifiers: ClinVar variation 571223 (VCV000571223.14), dbSNP rs201142052, ClinGen allele CA509460.
Genomic context (GRCh38, chr1:1,049,372, plus strand): 5'-CTGTCCCGGCACTGGCGCCGGGGCACCCTCTCGGTGGATGGTGAGACCCCTGTTCTGGGC[G>A]AGAGTCCCAGTGGCACCGACGGCCTCAACCTGGACACAGACCTCTTTGTGGGCGGCGTAC-3'
Protein context (NP_940978.2, residues 1469-1489): SVDGETPVLG[Glu1479Lys]SPSGTDGLNL

ClinVar aggregate classification (germline): Uncertain significance. Review status: criteria provided, multiple submitters, no conflicts (2 of 4 stars). 2 submissions from 2 submitters: Uncertain significance (2). Last evaluated 2025-05-07.

Conditions:
Inborn genetic diseases. Identifiers: MedGen C0950123, MeSH D030342.
Congenital myasthenic syndrome 8. Also called: MYASTHENIC SYNDROME, CONGENITAL, DUE TO AGRIN DEFICIENCY; Myasthenic syndrome, congenital, 8, with pre- and postsynaptic defects. Identifiers: Orphanet 590, MedGen C3808739, MONDO:0014052, OMIM 615120.

Allele frequency attached by ClinVar (database versions not stated): 1000 Genomes Project below 0.00001; gnomAD 0.00001; gnomAD exomes 0.00002 and 0.00005; TOPMed 0.00003; ExAC 0.00005; 1000 Genomes Project 30x 0.00016.
gnomAD v4.1: 30 of 1,598,732 alleles (0.0019%); highest among the groups gnomAD compares: East Asian, 0.02%; no homozygotes.

Submissions (2):

Ambry Genetics
Classification: Uncertain significance for Inborn genetic diseases. Last evaluated: 2025-05-07. Review status: criteria provided, single submitter. Criteria: Ambry Variant Classification Scheme 2023. Collection method: clinical testing. Allele origin: germline.

Labcorp Genetics (formerly Invitae), Labcorp
Classification: Uncertain significance for Congenital myasthenic syndrome 8. Last evaluated: 2024-01-18. Review status: criteria provided, single submitter. Criteria: Invitae Variant Classification Sherloc (09022015). Collection method: clinical testing. Allele origin: germline.
Comment: This sequence change replaces glutamic acid, which is acidic and polar, with lysine, which is basic and polar, at codon 1479 of the AGRN protein (p.Glu1479Lys). This variant is present in population databases (rs201142052, gnomAD 0.06%). This variant has not been reported in the literature in individuals affected with AGRN-related conditions. ClinVar contains an entry for this variant (Variation ID: 571223). An algorithm developed to predict the effect of missense changes on protein structure and function (PolyPhen-2) suggests that this variant is likely to be disruptive. In summary, the available evidence is currently insufficient to determine the role of this variant in disease. Therefore, it has been classified as a Variant of Uncertain Significance.